The following is an entry in ClinVar:

NM_002334.4(LRP4):c.5243+6T>C

Genes: LRP4-AS1 (LRP4 antisense RNA 1; plus strand), LRP4 (LDL receptor related protein 4; minus strand). Cytogenetic location: 11p11.2.
Variant type: single nucleotide variant.
Coding change: c.5243+6T>C on transcript NM_002334.4 (MANE Select); 6 bases into the intron after coding-DNA position 5243, T replaced by C.
Molecular consequence: intron variant.
Genome position (GRCh38, 1-based): chr11:46,864,442, A>G on the plus strand (T>C on the coding strand, the complement: LRP4 is on the minus strand). VCF-style: chr11-46864442-A-G. GRCh37 (hg19) VCF-style: chr11-46885993-A-G.
Identifiers: ClinVar variation 1393938 (VCV001393938.6), dbSNP rs376294734, ClinGen allele CA5969102.
Genomic context (GRCh38, chr11:46,864,442, plus strand): 5'-GGGAGATCCCAGACATGCTCATGAAGACCAATGAGCATGTGGCCCCTGTAGCAAGACTGA[A>G]GTTACCTGTACAGCATCAAAGCTGCAATCACCACCAAAATCAGCAGAATACTGAGGAGTC-3'

ClinVar aggregate classification (germline): Uncertain significance (1 of 4 stars; one submission).

Conditions:
Sclerosteosis 2 (SOST2). Identifiers: Orphanet 3152, MedGen C3280402, MONDO:0013679, OMIM 614305.
Cenani-Lenz syndactyly syndrome. Also called: CENANI SYNDACTYLISM; SYNDACTYLY, TYPE VII. Identifiers: Orphanet 3258, MedGen C1859309, MONDO:0008931, OMIM 212780.
Congenital myasthenic syndrome 17. Identifiers: Orphanet 590, MedGen C4225377, MONDO:0014578, OMIM 616304.

Allele frequency attached by ClinVar (database versions not stated): ExAC 0.00001; TOPMed 0.00001; ESP Exome Variant Server 0.00008.

Submission:

Labcorp Genetics (formerly Invitae), Labcorp
Classification: Uncertain significance for Cenani-Lenz syndactyly syndrome; Sclerosteosis 2; Congenital myasthenic syndrome 17. Last evaluated: 2022-08-15. Review status: criteria provided, single submitter. Criteria: Invitae Variant Classification Sherloc (09022015). Collection method: clinical testing. Allele origin: germline.
Comment: ClinVar contains an entry for this variant (Variation ID: 1393938). This variant has not been reported in the literature in individuals affected with LRP4-related conditions. This variant is not present in population databases (gnomAD no frequency). This sequence change falls in intron 36 of the LRP4 gene. It does not directly change the encoded amino acid sequence of the LRP4 protein. It affects a nucleotide within the consensus splice site. Variants that disrupt the consensus splice site are a relatively common cause of aberrant splicing (PMID: 17576681, 9536098). Algorithms developed to predict the effect of sequence changes on RNA splicing suggest that this variant is not likely to affect RNA splicing. In summary, the available evidence is currently insufficient to determine the role of this variant in disease. Therefore, it has been classified as a Variant of Uncertain Significance.

Literature cited by the submitters: PubMed 17576681; PubMed 9536098.